The following is an entry in ClinVar:

ClinVar aggregate classification (germline): Uncertain significance. Review status: criteria provided, multiple submitters, no conflicts (2 of 4 stars). 2 submissions from 2 submitters: Uncertain significance (2). Last evaluated 2022-10-25.

Allele frequency attached by ClinVar (database versions not stated): ExAC 0.00001; gnomAD 0.00001; gnomAD exomes 0.00001 and 0.00005; TOPMed 0.00002.
gnomAD v4.1: 81 of 1,589,978 alleles (0.0051%); highest among the groups gnomAD compares: Non-Finnish European, 0.0062%; no homozygotes.

Submissions (2):

Labcorp Genetics (formerly Invitae), Labcorp
Classification: Uncertain significance. Last evaluated: 2022-10-25. Review status: criteria provided, single submitter. Criteria: Invitae Variant Classification Sherloc (09022015). Collection method: clinical testing. Allele origin: germline.
Comment: This sequence change falls in intron 10 of the MME gene. It does not directly change the encoded amino acid sequence of the MME protein. It affects a nucleotide within the consensus splice site. This variant is present in population databases (rs201526630, gnomAD 0.0009%). This variant has not been reported in the literature in individuals affected with MME-related conditions. ClinVar contains an entry for this variant (Variation ID: 1298943). Variants that disrupt the consensus splice site are a relatively common cause of aberrant splicing (PMID: 17576681, 9536098). Algorithms developed to predict the effect of sequence changes on RNA splicing suggest that this variant is not likely to affect RNA splicing. In summary, the available evidence is currently insufficient to determine the role of this variant in disease. Therefore, it has been classified as a Variant of Uncertain Significance.

CeGaT Center for Human Genetics Tuebingen
Classification: Uncertain significance. Last evaluated: 2021-09-01. Review status: criteria provided, single submitter. Criteria: CeGaT Center For Human Genetics Tuebingen Variant Classification Criteria Version 2. Collection method: clinical testing. Allele origin: germline. Affected: yes. Observed: 1 variant allele.

Literature cited by the submitters: PubMed 17576681 (cited by Labcorp Genetics (formerly Invitae), Labcorp); PubMed 9536098 (cited by Labcorp Genetics (formerly Invitae), Labcorp).

NM_007289.4(MME):c.957+3A>G

Gene: MME (membrane metalloendopeptidase; plus strand). Cytogenetic location: 3q25.2.
Variant type: single nucleotide variant.
Coding change: c.957+3A>G on transcript NM_007289.4 (MANE Select); 3 bases into the intron after coding-DNA position 957, A replaced by G.
Molecular consequence: intron variant.
Genome position (GRCh38, 1-based): chr3:155,140,295, A>G. VCF-style: chr3-155140295-A-G. GRCh37 (hg19) VCF-style: chr3-154858084-A-G.
Other names: c.957+3A>G (NM_001354642.2, NM_000902.5, NM_007287.4 and 2 more transcripts).
Identifiers: ClinVar variation 1298943 (VCV001298943.37), dbSNP rs201526630, ClinGen allele CA2675335.